The following is an entry in ClinVar:

NM_000517.6(HBA2):c.225C>G (p.Asp75Glu)

Genes: HBA2 (hemoglobin subunit alpha 2; plus strand), LOC106804612 (hemoglobin subunit alpha 2 recombination region; plus strand). Cytogenetic location: 16p13.3.
Variant type: single nucleotide variant.
Coding change: c.225C>G on transcript NM_000517.6 (MANE Select); coding-DNA position 225, C replaced by G.
Protein change: p.Asp75Glu; replaces aspartic acid 75 with glutamic acid.
Molecular consequence: missense variant.
Genome position (GRCh38, 1-based): chr16:173,254, C>G. VCF-style: chr16-173254-C-G. GRCh37 (hg19) VCF-style: chr16-223253-C-G.
Other names: short protein forms D75E.
Identifiers: ClinVar variation 3766809 (VCV003766809.1).

ClinVar aggregate classification (germline): Uncertain significance (1 of 4 stars; one submission).

Submission:

ARUP Laboratories, Molecular Genetics and Genomics, ARUP Laboratories
Classification: Uncertain significance. Last evaluated: 2024-08-30. Review status: criteria provided, single submitter. Criteria: ARUP Molecular Germline Variant Investigation Process 2024. Collection method: clinical testing. Allele origin: germline.
Comment: The HBA2 c.225C>G; p.Asp75Glu variant (also known as Asp74Glu when numbered from the mature protein, rs1409606907), to our knowledge, is not reported in the medical literature or gene specific databases. Another variant at this codon in the homologous HBA1 gene (Hb Jishui; HBA1: c.225C>G; p.Asp75Glu) has been reported in the literature in an individual with mild anemia, however, the individual also had a gastric ulcer which could explain the mild anemia (Xie 2021). The HBA2 c.225C>G; p.Asp75Glu variant is only observed on one allele in the Genome Aggregation Database (v2.1.1), indicating it is not a common polymorphism. Computational analyses are uncertain whether this variant is neutral or deleterious (REVEL: 0.484). Due to limited information, the clinical significance of this variant is uncertain at this time. References: Xie W et al. (HBA1: c.225C>G, Codon 74 (GAC>GAG), Asp->Glu): A Novel alpha Chain Hemoglobin Variant Detected During Hb A1c Measurement. Hemoglobin. 2021 Jul;45(4):259-261. PMID: 34802367.